The following is an entry in ClinVar:

NM_201253.3(CRB1):c.4169G>C (p.Arg1390Pro)

Gene: CRB1 (crumbs cell polarity complex component 1; plus strand). Cytogenetic location: 1q31.3.
Variant type: single nucleotide variant.
Coding change: c.4169G>C on transcript NM_201253.3 (MANE Select); coding-DNA position 4169, G replaced by C.
Protein change: p.Arg1390Pro; replaces arginine 1390 with proline.
Molecular consequence: missense variant. On other transcripts: non-coding transcript variant (2).
Genome position (GRCh38, 1-based): chr1:197,477,827, G>C. VCF-style: chr1-197477827-G-C. GRCh37 (hg19) VCF-style: chr1-197446957-G-C.
Other names: c.3833G>C, p.Arg1278Pro (NM_001193640.2); c.4097G>C, p.Arg1366Pro (NM_001257965.2); c.2561G>C, p.Arg854Pro (NM_001257966.2); short protein forms R1366P, R854P, R1278P, R1390P.
Identifiers: ClinVar variation 851424 (VCV000851424.7), dbSNP rs764581378, ClinGen allele CA344035894.

ClinVar aggregate classification (germline): Uncertain significance (1 of 4 stars; one submission).

Conditions:
Retinitis pigmentosa 12 (RP12). Also called: RP WITH OR WITHOUT PPRPE; RP WITH OR WITHOUT PRESERVED PARAARTERIOLE RETINAL PIGMENT EPITHELIUM; RETINITIS PIGMENTOSA WITH OR WITHOUT PARAARTERIOLAR PRESERVATION OF RETINAL PIGMENT EPITHELIUM. Identifiers: Orphanet 791, MedGen C1838647, MONDO:0010818, OMIM 600105.
Leber congenital amaurosis 8 (LCA8). Identifiers: Orphanet 65, MedGen C3151202, MONDO:0013453, OMIM 613835.

Submission:

Labcorp Genetics (formerly Invitae), Labcorp
Classification: Uncertain significance for Leber congenital amaurosis 8; Retinitis pigmentosa 12. Last evaluated: 2021-08-26. Review status: criteria provided, single submitter. Criteria: Invitae Variant Classification Sherloc (09022015). Collection method: clinical testing. Allele origin: germline.
Comment: This sequence change replaces arginine with proline at codon 1390 of the CRB1 protein (p.Arg1390Pro). The arginine residue is highly conserved and there is a moderate physicochemical difference between arginine and proline. This variant is not present in population databases (ExAC no frequency). This variant has not been reported in the literature in individuals affected with CRB1-related conditions. Algorithms developed to predict the effect of missense changes on protein structure and function (SIFT, PolyPhen-2, Align-GVGD) all suggest that this variant is likely to be disruptive. In summary, the available evidence is currently insufficient to determine the role of this variant in disease. Therefore, it has been classified as a Variant of Uncertain Significance.